The following is an entry in ClinVar:

ClinVar aggregate classification (germline): Likely benign. Review status: criteria provided, multiple submitters, no conflicts (2 of 4 stars). 3 submissions from 3 submitters: Likely benign (3). Last evaluated 2026-01-19.

Conditions:
MAK-related disorder. Also called: MAK-related condition.

Allele frequency attached by ClinVar (database versions not stated): TOPMed 0.00015; gnomAD exomes 0.00016 and 0.00020; ESP Exome Variant Server 0.00023; ExAC 0.00029; gnomAD 0.00009 and 0.00011.
gnomAD v4.1: 257 of 1,613,790 alleles (0.016%); highest among the groups gnomAD compares: Middle Eastern, 0.066%; no homozygotes.

Submissions (3):

Labcorp Genetics (formerly Invitae), Labcorp
Classification: Likely benign. Last evaluated: 2026-01-19. Review status: criteria provided, single submitter. Criteria: Invitae Variant Classification Sherloc (09022015). Collection method: clinical testing. Allele origin: germline.

PreventionGenetics, part of Exact Sciences
Classification: Likely benign for MAK-related condition. Last evaluated: 2024-12-04. Review status: criteria provided, single submitter. Criteria: ACMG Guidelines, 2015. Collection method: clinical testing. Allele origin: germline.
Comment: This variant is classified as likely benign based on ACMG/AMP sequence variant interpretation guidelines (Richards et al. 2015 PMID: 25741868, with internal and published modifications).

Blueprint Genetics
Classification: Likely benign. Last evaluated: 2024-10-16. Review status: criteria provided, single submitter. Criteria: ACMG Guidelines, 2015. Collection method: clinical testing. Allele origin: germline.

NM_001242957.3(MAK):c.405T>G (p.Gly135=)

Gene: MAK (male germ cell associated kinase; minus strand). Cytogenetic location: 6p24.2.
Variant type: single nucleotide variant.
Coding change: c.405T>G on transcript NM_001242957.3 (MANE Select); coding-DNA position 405, T replaced by G.
Protein change: p.Gly135=; no amino-acid change (glycine 135 retained).
Molecular consequence: synonymous variant. On other transcripts: non-coding transcript variant (2).
Genome position (GRCh38, 1-based): chr6:10,808,896, A>C on the plus strand (T>G on the coding strand, the complement: MAK is on the minus strand). VCF-style: chr6-10808896-A-C. GRCh37 (hg19) VCF-style: chr6-10809129-A-C.
Other names: c.405T>G, p.Gly135= (NM_001242385.2, NM_005906.6); c.303T>G, p.Gly101= (NM_001377262.1).
Identifiers: ClinVar variation 354804 (VCV000354804.17), dbSNP rs373994062, ClinGen allele CA3633727.